The following is an entry in ClinVar:

NM_004519.4(KCNQ3):c.964A>C (p.Lys322Gln)

Gene: KCNQ3 (potassium voltage-gated channel subfamily Q member 3; minus strand). Cytogenetic location: 8q24.22.
Variant type: single nucleotide variant.
Coding change: c.964A>C on transcript NM_004519.4 (MANE Select); coding-DNA position 964, A replaced by C.
Protein change: p.Lys322Gln; replaces lysine 322 with glutamine.
Molecular consequence: missense variant.
Genome position (GRCh38, 1-based): chr8:132,174,319, T>G on the plus strand (A>C on the coding strand, the complement: KCNQ3 is on the minus strand). VCF-style: chr8-132174319-T-G. GRCh37 (hg19) VCF-style: chr8-133186566-T-G.
Other names: c.604A>C, p.Lys202Gln (NM_001204824.2); short protein forms K202Q, K322Q.
Identifiers: ClinVar variation 1003471 (VCV001003471.8), dbSNP rs1826477076, ClinGen allele CA372290212.

ClinVar aggregate classification (germline): Uncertain significance (1 of 4 stars; one submission).

Conditions:
Benign neonatal seizures. Also called: Benign familial neonatal seizures; Convulsions benign familial neonatal dominant form; Autosomal dominant form of benign neonatal seizures; Benign familial neonatal epilepsy; Benign neonatal familial convulsions. Identifiers: Orphanet 1949, MedGen C0220669, MONDO:0016027.

Submission:

Labcorp Genetics (formerly Invitae), Labcorp
Classification: Uncertain significance for Benign neonatal seizures. Last evaluated: 2023-11-19. Review status: criteria provided, single submitter. Criteria: Invitae Variant Classification Sherloc (09022015). Collection method: clinical testing. Allele origin: germline.
Comment: This sequence change replaces lysine, which is basic and polar, with glutamine, which is neutral and polar, at codon 322 of the KCNQ3 protein (p.Lys322Gln). This variant is not present in population databases (gnomAD no frequency). This variant has not been reported in the literature in individuals affected with KCNQ3-related conditions. ClinVar contains an entry for this variant (Variation ID: 1003471). Advanced modeling of protein sequence and biophysical properties (such as structural, functional, and spatial information, amino acid conservation, physicochemical variation, residue mobility, and thermodynamic stability) has been performed at Invitae for this missense variant, however the output from this modeling did not meet the statistical confidence thresholds required to predict the impact of this variant on KCNQ3 protein function. In summary, the available evidence is currently insufficient to determine the role of this variant in disease. Therefore, it has been classified as a Variant of Uncertain Significance.